The following is an entry in ClinVar:

NM_001048174.2(MUTYH):c.104C>G (p.Ser35Cys)

Gene: MUTYH (mutY DNA glycosylase; minus strand). Cytogenetic location: 1p34.1.
Variant type: single nucleotide variant.
Coding change: c.104C>G on transcript NM_001048174.2 (MANE Select); coding-DNA position 104, C replaced by G.
Protein change: p.Ser35Cys; replaces serine 35 with cysteine.
Molecular consequence: missense variant. On other transcripts: 5 prime UTR variant (4), non-coding transcript variant (2).
Genome position (GRCh38, 1-based): chr1:45,334,402, G>C on the plus strand (C>G on the coding strand, the complement: MUTYH is on the minus strand). VCF-style: chr1-45334402-G-C. GRCh37 (hg19) VCF-style: chr1-45800074-G-C.
Other names: c.104C>G, p.Ser35Cys (NM_001048171.2, NM_001048172.2, NM_001048173.2 and 15 more transcripts); c.146C>G, p.Ser49Cys (NM_001128425.2, NM_001293190.2, NM_001407069.1 and 2 more transcripts); c.-109C>G (NM_001293192.2, NM_001293196.2, NM_001407091.1); c.-168C>G (NM_001350650.2); c.-104C>G (NM_001350651.2, NM_001407082.1); c.122C>G, p.Ser41Cys (NM_001407087.1); c.-53C>G (NM_001407075.1); short protein forms S35C, S41C, S49C.
Identifiers: ClinVar variation 1721462 (VCV001721462.7), dbSNP rs2149186919, ClinGen allele CA340136957.

ClinVar aggregate classification (germline): Conflicting classifications of pathogenicity. Review status: criteria provided, conflicting classifications (1 of 4 stars). 2 submissions from 2 submitters: Uncertain significance (1); Benign (1). Last evaluated 2025-09-09.

Conditions:
Hereditary cancer-predisposing syndrome. Also called: Hereditary Cancer Syndrome; Hereditary neoplastic syndrome; Neoplastic Syndromes, Hereditary; Tumor predisposition. Identifiers: Orphanet 140162, MedGen C0027672, MeSH D009386, MONDO:0015356.
Familial adenomatous polyposis 2. Also called: MUTYH-associated polyposis; MUTYH-related attenuated familial adenomatous polyposis; FAP type 2; Adenomas, multiple colorectal; MYH-associated polyposis; MUTYH Polyposis. Identifiers: Orphanet 220460, Orphanet 247798, MedGen C3272841, MONDO:0012041, OMIM 608456.

Submissions (2):

Ambry Genetics
Classification: Benign for Hereditary cancer-predisposing syndrome. Last evaluated: 2025-09-09. Review status: criteria provided, single submitter. Criteria: Ambry Variant Classification Scheme 2023. Collection method: clinical testing. Allele origin: germline.

Labcorp Genetics (formerly Invitae), Labcorp
Classification: Uncertain significance for Familial adenomatous polyposis 2. Last evaluated: 2023-06-09. Review status: criteria provided, single submitter. Criteria: Invitae Variant Classification Sherloc (09022015). Collection method: clinical testing. Allele origin: germline.
Comment: An algorithm developed to predict the effect of missense changes on protein structure and function (PolyPhen-2) suggests that this variant is likely to be tolerated. In summary, the available evidence is currently insufficient to determine the role of this variant in disease. Therefore, it has been classified as a Variant of Uncertain Significance. ClinVar contains an entry for this variant (Variation ID: 1721462). This variant has not been reported in the literature in individuals affected with MUTYH-related conditions. This variant is not present in population databases (gnomAD no frequency). This sequence change replaces serine, which is neutral and polar, with cysteine, which is neutral and slightly polar, at codon 49 of the MUTYH protein (p.Ser49Cys).

Literature cited by the submitters: PubMed 40738107 (cited by Ambry Genetics).